The following is an entry in ClinVar:

NM_002739.5(PRKCG):c.352G>C (p.Gly118Arg)

Gene: PRKCG (protein kinase C gamma; plus strand). Cytogenetic location: 19q13.42.
Variant type: single nucleotide variant.
Coding change: c.352G>C on transcript NM_002739.5 (MANE Select); coding-DNA position 352, G replaced by C.
Protein change: p.Gly118Arg; replaces glycine 118 with arginine.
Molecular consequence: missense variant.
Genome position (GRCh38, 1-based): chr19:53,889,704, G>C. VCF-style: chr19-53889704-G-C. GRCh37 (hg19) VCF-style: chr19-54392958-G-C.
Other names: c.352G>C, p.Gly118Arg (NM_001316329.2); short protein forms G118R.
Identifiers: ClinVar variation 3390145 (VCV003390145.14).

ClinVar aggregate classification (germline): Likely pathogenic (1 of 4 stars; one submission).

Submission:

CeGaT Center for Human Genetics Tuebingen
Classification: Likely pathogenic. Last evaluated: 2024-11-01. Review status: criteria provided, single submitter. Criteria: CeGaT Center For Human Genetics Tuebingen Variant Classification Criteria Version 2. Collection method: clinical testing. Allele origin: germline. Affected: yes. Observed: 1 variant allele.
Comment: PRKCG: PM1, PM2, PM5, PP2, PP3